The following is an entry in ClinVar:

ClinVar aggregate classification (germline): Uncertain significance. Review status: criteria provided, multiple submitters, no conflicts (2 of 4 stars). 2 submissions from 2 submitters: Uncertain significance (2). Last evaluated 2024-08-14.

Conditions:
Inborn genetic diseases. Identifiers: MedGen C0950123, MeSH D030342.

Allele frequency attached by ClinVar (database versions not stated): TOPMed 0.00006.
gnomAD v4.1: 117 of 1,613,362 alleles (0.0073%); highest among the groups gnomAD compares: Non-Finnish European, 0.0092%; no homozygotes.

Submissions (2):

Ambry Genetics
Classification: Uncertain significance for Inborn genetic diseases. Last evaluated: 2024-08-14. Review status: criteria provided, single submitter. Criteria: Ambry Variant Classification Scheme 2023. Collection method: clinical testing. Allele origin: germline.

Labcorp Genetics (formerly Invitae), Labcorp
Classification: Uncertain significance. Last evaluated: 2024-06-17. Review status: criteria provided, single submitter. Criteria: Invitae Variant Classification Sherloc (09022015). Collection method: clinical testing. Allele origin: germline.
Comment: This sequence change replaces arginine, which is basic and polar, with glutamine, which is neutral and polar, at codon 3435 of the PCLO protein (p.Arg3435Gln). This variant is present in population databases (rs775369053, gnomAD 0.02%). This variant has not been reported in the literature in individuals affected with PCLO-related conditions. ClinVar contains an entry for this variant (Variation ID: 1512418). Experimental studies and prediction algorithms are not available or were not evaluated, and the functional significance of this variant is currently unknown. In summary, the available evidence is currently insufficient to determine the role of this variant in disease. Therefore, it has been classified as a Variant of Uncertain Significance.

NM_033026.6(PCLO):c.10304G>A (p.Arg3435Gln)

Gene: PCLO (piccolo presynaptic cytomatrix protein; minus strand). Cytogenetic location: 7q21.11.
Variant type: single nucleotide variant.
Coding change: c.10304G>A on transcript NM_033026.6 (MANE Select); coding-DNA position 10304, G replaced by A.
Protein change: p.Arg3435Gln; replaces arginine 3435 with glutamine.
Molecular consequence: missense variant.
Genome position (GRCh38, 1-based): chr7:82,950,284, C>T on the plus strand (G>A on the coding strand, the complement: PCLO is on the minus strand). VCF-style: chr7-82950284-C-T. GRCh37 (hg19) VCF-style: chr7-82579600-C-T.
Other names: c.10304G>A (NM_033026.5); c.10304G>A, p.Arg3435Gln (NM_014510.3); short protein forms R3435Q.
Identifiers: ClinVar variation 1512418 (VCV001512418.8), dbSNP rs775369053, ClinGen allele CA4319760.